The following is an entry in ClinVar:

NM_014339.7(IL17RA):c.1564C>T (p.Arg522Trp)

Gene: IL17RA (interleukin 17 receptor A; plus strand). Cytogenetic location: 22q11.1.
Variant type: single nucleotide variant.
Coding change: c.1564C>T on transcript NM_014339.7 (MANE Select); coding-DNA position 1564, C replaced by T.
Protein change: p.Arg522Trp; replaces arginine 522 with tryptophan.
Molecular consequence: missense variant.
Genome position (GRCh38, 1-based): chr22:17,108,783, C>T. VCF-style: chr22-17108783-C-T. GRCh37 (hg19) VCF-style: chr22-17589673-C-T.
Other names: c.1462C>T, p.Arg488Trp (NM_001289905.2); c.1564C>T (NM_014339.5); short protein forms R488W, R522W.
Identifiers: ClinVar variation 1056997 (VCV001056997.8), dbSNP rs543278251, ClinGen allele CA10086794.

ClinVar aggregate classification (germline): Uncertain significance. Review status: criteria provided, multiple submitters, no conflicts (2 of 4 stars). 3 submissions from 3 submitters: Uncertain significance (3). Last evaluated 2023-10-09.

Conditions:
Immunodeficiency 51 (IMD51). Also called: CANDIDIASIS, FAMILIAL, 5. Identifiers: Orphanet 1334, MedGen C4310803, MONDO:0013500, OMIM 613953.

Allele frequency attached by ClinVar (database versions not stated): ExAC 0.00003; gnomAD exomes 0.00003 and 0.00004.
gnomAD v4.1: 71 of 1,607,494 alleles (0.0044%); highest among the groups gnomAD compares: African/African-American, 0.065%; no homozygotes.

Submissions (3):

Blueprint Genetics
Classification: Uncertain significance. Last evaluated: 2023-10-09. Review status: criteria provided, single submitter. Criteria: ACMG Guidelines, 2015. Collection method: clinical testing. Allele origin: germline.

Ambry Genetics
Classification: Uncertain significance. Last evaluated: 2021-10-12. Review status: criteria provided, single submitter. Criteria: Ambry Variant Classification Scheme 2023. Collection method: clinical testing. Allele origin: germline.

Labcorp Genetics (formerly Invitae), Labcorp
Classification: Uncertain significance for Immunodeficiency 51. Last evaluated: 2021-09-01. Review status: criteria provided, single submitter. Criteria: Invitae Variant Classification Sherloc (09022015). Collection method: clinical testing. Allele origin: germline.
Comment: This sequence change replaces arginine with tryptophan at codon 522 of the IL17RA protein (p.Arg522Trp). The arginine residue is highly conserved and there is a moderate physicochemical difference between arginine and tryptophan. This variant is present in population databases (rs543278251, ExAC 0.04%). This variant has not been reported in the literature in individuals affected with IL17RA-related conditions. Algorithms developed to predict the effect of missense changes on protein structure and function are either unavailable or do not agree on the potential impact of this missense change (SIFT: "Deleterious"; PolyPhen-2: "Benign"; Align-GVGD: "Class C35"). In summary, the available evidence is currently insufficient to determine the role of this variant in disease. Therefore, it has been classified as a Variant of Uncertain Significance.